The following is an entry in ClinVar:

ClinVar aggregate classification (germline): Likely pathogenic (1 of 4 stars; one submission).

Conditions:
Inborn genetic diseases. Identifiers: MedGen C0950123, MeSH D030342.

Submission:

Ambry Genetics
Classification: Likely pathogenic for Inborn genetic diseases. Last evaluated: 2025-05-07. Review status: criteria provided, single submitter. Criteria: Ambry Variant Classification Scheme 2023. Collection method: clinical testing. Allele origin: germline.
Comment: The c.1699-2A>G intronic variant results from an A to G substitution two nucleotides before coding exon 19 of the ELAC2 gene. Alterations that disrupt the canonical splice site are expected to cause aberrant splicing, resulting in an abnormal protein or a transcript that is subject to nonsense-mediated mRNA decay. This variant was not reported in population-based cohorts in the Genome Aggregation Database (gnomAD). This nucleotide position is highly conserved in available vertebrate species. In silico splice site analysis predicts that this alteration will weaken the native splice acceptor site and may result in the creation or strengthening of a novel splice acceptor site. Based on the available evidence, this alteration is classified as likely pathogenic.

NM_018127.7(ELAC2):c.1699-2A>G

Gene: ELAC2 (elaC ribonuclease Z 2; minus strand). Cytogenetic location: 17p12.
Variant type: single nucleotide variant.
Coding change: c.1699-2A>G on transcript NM_018127.7 (MANE Select); the canonical splice acceptor site of the intron before coding-DNA position 1699, A replaced by G.
Molecular consequence: splice acceptor variant.
Genome position (GRCh38, 1-based): chr17:12,995,814, T>C on the plus strand (A>G on the coding strand, the complement: ELAC2 is on the minus strand). VCF-style: chr17-12995814-T-C. GRCh37 (hg19) VCF-style: chr17-12899131-T-C.
Other names: c.1579-2A>G (NM_001165962.2); c.1696-2A>G (NM_173717.2).
Identifiers: ClinVar variation 4017356 (VCV004017356.1).
Genomic context (GRCh38, chr17:12,995,814, plus strand): 5'-GCTTTGAGCTGGTTGGGGGCAACCACCAGCAAAGGGTGAAGCGGCTTTCCCAAAGATGCC[T>C]GGAACAAAAAATGCAAGTGCCGACTCGACGACAGAACATCTCAATAAAAACTGGAGTGCC-3'